The following is an entry in ClinVar:

ClinVar aggregate classification (germline): Likely pathogenic (1 of 4 stars; one submission).

Conditions:
Congenital nongoitrous hypothyroidism 6. Also called: Congenital nongoitrous hypothryoidism 6. Identifiers: Orphanet 97927, MedGen C3280817, MONDO:0013757, OMIM 614450.

Submission:

Victorian Clinical Genetics Services, Murdoch Childrens Research Institute
Classification: Likely pathogenic for Congenital nongoitrous hypothyroidism 6. Last evaluated: 2024-10-09. Review status: criteria provided, single submitter. Criteria: ACMG Guidelines, 2015. Collection method: clinical testing. Allele origin: germline. Inheritance: Autosomal dominant inheritance. Affected: yes.
Comment: Based on the classification scheme VCGS_Germline_v1.3.4, this variant is classified as Likely pathogenic. Following criteria are met: 0104 - Dominant negative is a known mechanism of disease in this gene and is associated with congenital nongoitrous hypothyroidism 6 (MIM#614450) (PMID: 28932413). (I) 0107 - This gene is associated with autosomal dominant disease. (I) 0115 - Variants in this gene are known to have variable expressivity. There can be large variation in the severity of the phenotypes in RTHα as some patients can have mild phenotypes with minimal symptoms (PMID: 28932413). (I) 0200 - Variant is predicted to result in a missense amino acid change from histidine to tyrosine. (I) 0251 - This variant is heterozygous. (I) 0301 - Variant is absent from gnomAD (both v2 and v3). (SP) 0502 - Missense variant with conflicting in silico predictions and high conservation. (I) 0600 - Variant is located in the annotated ligand binding domain (NCBI). This amino acid residue has been annotated as one of the ligand binding sites, and has been implicated to interact with the phenolhydroxyl group of T3 hormone based on a crystal structure of rat alpha1 thyroid hormone receptor (NCBI and PMIDs: 7501015, 30817817). However, variant-specific functional studies are not available. (I) 0705 - No comparable missense variants have previous evidence for pathogenicity. (I) 0802 - This variant has moderate previous evidence of pathogenicity in an unrelated individual. (SP) 0905 - No published segregation evidence has been identified for this variant. (I) 1006 - Clinically accredited laboratory assay shows abnormal function of product not specific to the gene. (SP) Legend: (SP) - Supporting pathogenic, (I) - Information, (SB) - Supporting benign

Literature cited by the submitters: PubMed 7501015; PubMed 25670821; PubMed 28932413; PubMed 30817817.

NM_199334.5(THRA):c.1141C>T (p.His381Tyr)

Gene: THRA (thyroid hormone receptor alpha; plus strand). Cytogenetic location: 17q21.1.
Variant type: single nucleotide variant.
Coding change: c.1141C>T on transcript NM_199334.5 (MANE Select); coding-DNA position 1141, C replaced by T.
Protein change: p.His381Tyr; replaces histidine 381 with tyrosine.
Molecular consequence: missense variant. On other transcripts: intron variant (3).
Genome position (GRCh38, 1-based): chr17:40,089,364, C>T. VCF-style: chr17-40089364-C-T. GRCh37 (hg19) VCF-style: chr17-38245617-C-T.
Other names: c.1110+31C>T (NM_001190919.2, NM_003250.6, NM_001190918.2); short protein forms H381Y.
Identifiers: ClinVar variation 3254965 (VCV003254965.2), dbSNP rs2544246713.
Genomic context (GRCh38, chr17:40,089,364, plus strand): 5'-CCGCACTTCTGGCCCAAGCTGCTGATGAAGGTGACTGACCTCCGCATGATCGGGGCCTGC[C>T]ACGCCAGCCGCTTCCTCCACATGAAAGTCGAGTGCCCCACCGAACTCTTCCCCCCACTCT-3'
Protein context (NP_955366.1, residues 371-391): VTDLRMIGAC[His381Tyr]ASRFLHMKVE